The following is an entry in ClinVar:

ClinVar aggregate classification (germline): Likely benign (1 of 4 stars; one submission).

Conditions:
Leigh syndrome (NULS). Also called: Leigh's necrotizing encephalopathy; Leigh's disease; Leigh Syndrome (mtDNA deletion); Leigh Disease; Subacute necrotizing encephalopathy; Necrotizing encephalopathy infantile subacute of Leigh. Identifiers: Orphanet 506, MedGen C2931891, MONDO:0009723, OMIM 256000.

Submission:

Wong Mito Lab, Molecular and Human Genetics, Baylor College of Medicine
Classification: Likely benign for Leigh syndrome. Last evaluated: 2019-10-17. Review status: criteria provided, single submitter. Criteria: Modified ACMG Guidelines (Unpublished). Collection method: clinical testing. Allele origin: germline.
Comment: The NC_012920.1:m.11930A>G (YP_003024035.1:p.Ile391Val) variant in MTND4 gene is interpretated to be a Likely Benign variant based on the modified ACMG guidelines (unpublished). This variant meets the following evidence codes: BP4, BP6

NC_012920.1(MT-ND4):m.11930A>G

Gene: MT-ND4 (mitochondrially encoded NADH dehydrogenase 4; plus strand).
Variant type: single nucleotide variant.
Genome position: chrM-11930-A-G.
Identifiers: ClinVar variation 693386 (VCV000693386.1), dbSNP rs1603223472, ClinGen allele CA414811731.